The following is an entry in ClinVar:

ClinVar aggregate classification (germline): Uncertain significance (1 of 4 stars; one submission).

Submission:

GeneDx
Classification: Uncertain significance. Last evaluated: 2020-04-06. Review status: criteria provided, single submitter. Criteria: GeneDx Variant Classification Process June 2021. Collection method: clinical testing. Allele origin: germline. Affected: yes.
Comment: Has not been previously published as pathogenic or benign to our knowledge; Not observed in large population cohorts (Lek et al., 2016); In silico analysis supports a deleterious effect on splicing

NM_001264.5(CDSN):c.1567G>A (p.Gly523Arg)

Genes: CDSN (corneodesmosin; minus strand), PSORS1C1 (psoriasis susceptibility 1 candidate 1; plus strand). Cytogenetic location: 6p21.33.
Variant type: single nucleotide variant.
Coding change: c.1567G>A on transcript NM_001264.5 (MANE Select); coding-DNA position 1567, G replaced by A.
Protein change: p.Gly523Arg; replaces glycine 523 with arginine.
Molecular consequence: missense variant. On other transcripts: intron variant (1).
Genome position (GRCh38, 1-based): chr6:31,116,048, C>T on the plus strand (G>A on the coding strand, the complement: CDSN is on the minus strand). VCF-style: chr6-31116048-C-T. GRCh37 (hg19) VCF-style: chr6-31083825-C-T.
Other names: c.-229+1157C>T (NM_014068.3); short protein forms G523R.
Identifiers: ClinVar variation 1307196 (VCV001307196.2), dbSNP rs2150955654, ClinGen allele CA363312577.
Genomic context (GRCh38, chr6:31,116,048, plus strand): 5'-TGTGCCCAAGGCATGCACACACACAACAGTTGACTTCTTATGGACTGTTGAGTAACTCTC[C>T]TTGGGGTAGGAAAACTTCAGGGTCAGCTAGCTGGGGCCCCAGAGGCTTCACTTGGGCTAG-3'
Protein context (NP_001255.4, residues 513-529): LADPEVFLPQ[Gly523Arg]ELLNSP